The following is an entry in ClinVar:

ClinVar aggregate classification (germline): Conflicting classifications of pathogenicity. Review status: criteria provided, conflicting classifications (1 of 4 stars). 2 submissions from 2 submitters: Uncertain significance (1); Likely benign (1). Last evaluated 2025-02-02.

Conditions:
Pulmonary fibrosis and/or bone marrow failure, Telomere-related, 3. Also called: PULMONARY FIBROSIS AND/OR BONE MARROW FAILURE SYNDROME, TELOMERE-RELATED, 3. Identifiers: Orphanet 2032, MedGen C4225346, MONDO:0014613, OMIM 616373.
Dyskeratosis congenita, autosomal recessive 5 (DKCB5). Identifiers: MedGen C3554656, MONDO:0014076, OMIM 615190.
Inborn genetic diseases. Identifiers: MedGen C0950123, MeSH D030342.

Allele frequency attached by ClinVar (database versions not stated): gnomAD exomes below 0.00001.
gnomAD v4.1: 1 of 1,612,654 alleles (0.000062%); highest among the groups gnomAD compares: Non-Finnish European, 0.000085%; no homozygotes.

Submissions (2):

Ambry Genetics
Classification: Likely benign for Inborn genetic diseases. Last evaluated: 2025-02-02. Review status: criteria provided, single submitter. Criteria: Ambry Variant Classification Scheme 2023. Collection method: clinical testing. Allele origin: germline.

Labcorp Genetics (formerly Invitae), Labcorp
Classification: Uncertain significance for Dyskeratosis congenita, autosomal recessive 5; Pulmonary fibrosis and/or bone marrow failure, Telomere-related, 3. Last evaluated: 2022-10-13. Review status: criteria provided, single submitter. Criteria: Invitae Variant Classification Sherloc (09022015). Collection method: clinical testing. Allele origin: germline.
Comment: This sequence change replaces glutamine, which is neutral and polar, with arginine, which is basic and polar, at codon 920 of the RTEL1 protein (p.Gln920Arg). This variant is not present in population databases (gnomAD no frequency). This variant has not been reported in the literature in individuals affected with RTEL1-related conditions. ClinVar contains an entry for this variant (Variation ID: 1408168). Algorithms developed to predict the effect of missense changes on protein structure and function output the following: SIFT: "Tolerated"; PolyPhen-2: "Benign"; Align-GVGD: "Class C0". The arginine amino acid residue is found in multiple mammalian species, which suggests that this missense change does not adversely affect protein function. In summary, the available evidence is currently insufficient to determine the role of this variant in disease. Therefore, it has been classified as a Variant of Uncertain Significance.

NM_001283009.2(RTEL1):c.2759A>G (p.Gln920Arg)

Genes: RTEL1-TNFRSF6B (RTEL1-TNFRSF6B readthrough (NMD candidate); plus strand), RTEL1 (regulator of telomere elongation helicase 1; plus strand). Cytogenetic location: 20q13.33.
Variant type: single nucleotide variant.
Coding change: c.2759A>G on transcript NM_001283009.2 (MANE Select); coding-DNA position 2759, A replaced by G.
Protein change: p.Gln920Arg; replaces glutamine 920 with arginine.
Molecular consequence: missense variant. On other transcripts: non-coding transcript variant (1).
Genome position (GRCh38, 1-based): chr20:63,692,911, A>G. VCF-style: chr20-63692911-A-G. GRCh37 (hg19) VCF-style: chr20-62324264-A-G.
Other names: c.2831A>G, p.Gln944Arg (NM_032957.5); c.2090A>G, p.Gln697Arg (NM_001283010.1); c.2759A>G, p.Gln920Arg (NM_016434.4); short protein forms Q697R, Q920R, Q944R.
Identifiers: ClinVar variation 1408168 (VCV001408168.7), dbSNP rs2090788449, ClinGen allele CA409682984.